The following is an entry in ClinVar:

NM_000122.2(ERCC3):c.2089G>A (p.Glu697Lys)

Gene: ERCC3 (ERCC excision repair 3, TFIIH core complex helicase subunit; minus strand). Cytogenetic location: 2q14.3.
Variant type: single nucleotide variant.
Coding change: c.2089G>A on transcript NM_000122.2 (MANE Select); coding-DNA position 2089, G replaced by A.
Protein change: p.Glu697Lys; replaces glutamic acid 697 with lysine.
Molecular consequence: missense variant.
Genome position (GRCh38, 1-based): chr2:127,259,424, C>T on the plus strand (G>A on the coding strand, the complement: ERCC3 is on the minus strand). VCF-style: chr2-127259424-C-T. GRCh37 (hg19) VCF-style: chr2-128017000-C-T.
Other names: c.1897G>A, p.Glu633Lys (NM_001303416.2, NM_001303418.2); c.2089G>A (NM_000122.1); short protein forms E633K, E697K.
Identifiers: ClinVar variation 1361081 (VCV001361081.9), dbSNP rs374262917, ClinGen allele CA1858085.
Genomic context (GRCh38, chr2:127,259,424, plus strand): 5'-GGACTTTCTGTAAGAGCTGCTGTTGCTCTTCTTTTGTCGAAAACGCCAAGTCTTCCTCCT[C>T]CATGCCAGCGAGTTTCGTGATCACCTGCAAAGCCCAAGCCAGCAGACATGCCCCTTTCTG-3'
Protein context (NP_000113.1, residues 687-707): FKVITKLAGM[Glu697Lys]EEDLAFSTKE

ClinVar aggregate classification (germline): Uncertain significance. Review status: criteria provided, multiple submitters, no conflicts (2 of 4 stars). 2 submissions from 2 submitters: Uncertain significance (2). Last evaluated 2024-08-13.

Conditions:
Xeroderma pigmentosum group B. Also called: XPB/CS; XERODERMA PIGMENTOSUM B/COCKAYNE SYNDROME; ERCC3-Related Xeroderma Pigmentosum; XP, GROUP B. Identifiers: MedGen C0268136, MONDO:0012531, OMIM 610651.
Trichothiodystrophy 2, photosensitive (TTD2). Identifiers: Orphanet 33364, MedGen C4225344, MONDO:0014615, OMIM 616390.

Allele frequency attached by ClinVar (database versions not stated): gnomAD exomes 0.00001; TOPMed 0.00001; ExAC 0.00001; gnomAD 0.00001; ESP Exome Variant Server 0.00008.
gnomAD v4.1: 15 of 1,614,094 alleles (0.00093%); highest among the groups gnomAD compares: Non-Finnish European, 0.0012%; no homozygotes.

Submissions (2):

Labcorp Genetics (formerly Invitae), Labcorp
Classification: Uncertain significance. Last evaluated: 2024-08-13. Review status: criteria provided, single submitter. Criteria: Invitae Variant Classification Sherloc (09022015). Collection method: clinical testing. Allele origin: germline.
Comment: This sequence change replaces glutamic acid, which is acidic and polar, with lysine, which is basic and polar, at codon 697 of the ERCC3 protein (p.Glu697Lys). This variant is present in population databases (rs374262917, gnomAD 0.002%). This variant has not been reported in the literature in individuals affected with ERCC3-related conditions. ClinVar contains an entry for this variant (Variation ID: 1361081). Advanced modeling of protein sequence and biophysical properties (such as structural, functional, and spatial information, amino acid conservation, physicochemical variation, residue mobility, and thermodynamic stability) performed at Invitae indicates that this missense variant is not expected to disrupt ERCC3 protein function with a negative predictive value of 80%. In summary, the available evidence is currently insufficient to determine the role of this variant in disease. Therefore, it has been classified as a Variant of Uncertain Significance.

Fulgent Genetics
Classification: Uncertain significance for Xeroderma pigmentosum group B; Trichothiodystrophy 2, photosensitive. Last evaluated: 2022-02-23. Review status: criteria provided, single submitter. Criteria: ACMG Guidelines, 2015. Collection method: clinical testing. Allele origin: unknown.